The following is an entry in ClinVar:

NM_001100913.3(PACS2):c.1749C>T (p.Leu583=)

Gene: PACS2 (phosphofurin acidic cluster sorting protein 2; plus strand). Cytogenetic location: 14q32.33.
Variant type: single nucleotide variant.
Coding change: c.1749C>T on transcript NM_001100913.3 (MANE Select); coding-DNA position 1749, C replaced by T.
Protein change: p.Leu583=; no amino-acid change (leucine 583 retained).
Molecular consequence: synonymous variant.
Genome position (GRCh38, 1-based): chr14:105,383,482, C>T. VCF-style: chr14-105383482-C-T. GRCh37 (hg19) VCF-style: chr14-105849819-C-T.
Other names: c.1749C>T (NM_001100913.2); c.1512C>T, p.Leu504= (NM_001243127.3); c.1737C>T, p.Leu579= (NM_015197.4).
Identifiers: ClinVar variation 1582490 (VCV001582490.11), dbSNP rs201692438, ClinGen allele CA7388972.

ClinVar aggregate classification (germline): Likely benign. Review status: criteria provided, single submitter (1 of 4 stars). 2 submissions from 2 submitters: Likely benign (1). 1 of the submissions does not count toward it. Last evaluated 2025-11-05.

Conditions:
PACS2-related disorder. Also called: PACS2-related condition.

Allele frequency attached by ClinVar (database versions not stated): gnomAD exomes below 0.00001 and 0.00002; ExAC 0.00001; TOPMed 0.00001.
gnomAD v4.1: 27 of 1,602,908 alleles (0.0017%); highest among the groups gnomAD compares: Non-Finnish European, 0.0021%; no homozygotes.

Submissions (2):

Labcorp Genetics (formerly Invitae), Labcorp
Classification: Likely benign. Last evaluated: 2025-11-05. Review status: criteria provided, single submitter. Criteria: Invitae Variant Classification Sherloc (09022015). Collection method: clinical testing. Allele origin: germline.

PreventionGenetics, part of Exact Sciences
Classification: Likely benign for PACS2-related condition. Last evaluated: 2019-05-21. Review status: no assertion criteria provided. Collection method: clinical testing. Allele origin: germline. Not counted in ClinVar's aggregate classification.
Comment: This variant is classified as likely benign based on ACMG/AMP sequence variant interpretation guidelines (Richards et al. 2015 PMID: 25741868, with internal and published modifications).